The following is an entry in ClinVar:

NM_000500.9(CYP21A2):c.484G>T (p.Glu162Ter)

Genes: CYP21A2 (cytochrome P450 family 21 subfamily A member 2; plus strand), LOC106780800 (CYP21A2 recombination region; plus strand). Cytogenetic location: 6p21.33.
Variant type: single nucleotide variant.
Coding change: c.484G>T on transcript NM_000500.9 (MANE Select); coding-DNA position 484, G replaced by T.
Protein change: p.Glu162Ter; replaces glutamic acid 162 with a stop codon.
Molecular consequence: nonsense.
Genome position (GRCh38, 1-based): chr6:32,039,392, G>T. VCF-style: chr6-32039392-G-T. GRCh37 (hg19) VCF-style: chr6-32007169-G-T.
Other names: c.394G>T, p.Glu132Ter (NM_001128590.4); c.79G>T, p.Glu27Ter (NM_001368143.2, NM_001368144.2); short protein forms E132*, E162*, E27*.
Identifiers: ClinVar variation 2734841 (VCV002734841.3), dbSNP rs2483321731, ClinGen allele CA363502770.
Genomic context (GRCh38, chr6:32,039,392, plus strand): 5'-TGAACTCACACTGTTTCTCCACAGCGCATGAGAGCCCAGCCCGGCACCCCTGTGGCCATT[G>T]AGGAGGAATTCTCTCTCCTCACCTGCAGCATCATCTGTTACCTCACCTTCGGAGACAAGA-3'

ClinVar aggregate classification (germline): Pathogenic (1 of 4 stars; one submission).

Submission:

Labcorp Genetics (formerly Invitae), Labcorp
Classification: Pathogenic. Last evaluated: 2023-08-02. Review status: criteria provided, single submitter. Criteria: Invitae Variant Classification Sherloc (09022015). Collection method: clinical testing. Allele origin: germline.
Comment: This sequence change creates a premature translational stop signal (p.Glu162*) in the CYP21A2 gene. It is expected to result in an absent or disrupted protein product. Loss-of-function variants in CYP21A2 are known to be pathogenic (PMID: 10857554). For these reasons, this variant has been classified as Pathogenic. This variant is also known as p.E161X. This premature translational stop signal has been observed in individual(s) with classic salt-wasting congenital adrenal hyperplasia due to 21-hydroxylase deficiency (PMID: 24799024). The frequency data for this variant in the population databases (gnomAD) is considered unreliable due to the presence of homologous sequence, such as pseudogenes or paralogs, in the genome.

Literature cited by the submitters: PubMed 10857554; PubMed 24799024.